The following is an entry in ClinVar:

NM_000059.4(BRCA2):c.9481A>G (p.Lys3161Glu)

Gene: BRCA2 (BRCA2 DNA repair associated; plus strand). Cytogenetic location: 13q13.1.
Variant type: single nucleotide variant.
Coding change: c.9481A>G on transcript NM_000059.4 (MANE Select); coding-DNA position 9481, A replaced by G.
Protein change: p.Lys3161Glu; replaces lysine 3161 with glutamic acid.
Molecular consequence: missense variant.
Genome position (GRCh38, 1-based): chr13:32,394,913, A>G. VCF-style: chr13-32394913-A-G. GRCh37 (hg19) VCF-style: chr13-32969050-A-G.
Other names: short protein forms K3161E.
Identifiers: ClinVar variation 631356 (VCV000631356.15), dbSNP rs80359222, ClinGen allele CA387761803.

ClinVar aggregate classification (germline): Conflicting classifications of pathogenicity. Review status: criteria provided, conflicting classifications (1 of 4 stars). 3 submissions from 3 submitters: Uncertain significance (2); Likely benign (1). Last evaluated 2025-05-16.

Conditions:
Hereditary cancer-predisposing syndrome. Also called: Tumor predisposition; Neoplastic Syndromes, Hereditary; Hereditary neoplastic syndrome; Hereditary Cancer Syndrome. Identifiers: Orphanet 140162, MedGen C0027672, MeSH D009386, MONDO:0015356.
Hereditary breast ovarian cancer syndrome. Also called: Hereditary breast and ovarian cancer; Hereditary breast and ovarian cancer syndrome (HBOC); Breast and ovarian cancer; Hereditary breast and ovarian cancer syndrome; BRCA1- and BRCA2-Associated Hereditary Breast and Ovarian Cancer; Hereditary breast and/or ovarian cancer syndrome. Identifiers: Orphanet 145, MedGen C0677776, MeSH D061325, MONDO:0003582. Disease mechanism: loss of function.

Submissions (3):

Ambry Genetics
Classification: Likely benign for Hereditary cancer-predisposing syndrome. Last evaluated: 2025-05-16. Review status: criteria provided, single submitter. Criteria: Ambry Variant Classification Scheme 2023. Collection method: clinical testing. Allele origin: germline.

Labcorp Genetics (formerly Invitae), Labcorp
Classification: Uncertain significance for Hereditary breast ovarian cancer syndrome. Last evaluated: 2022-06-29. Review status: criteria provided, single submitter. Criteria: Invitae Variant Classification Sherloc (09022015). Collection method: clinical testing. Allele origin: germline.
Comment: In summary, the available evidence is currently insufficient to determine the role of this variant in disease. Therefore, it has been classified as a Variant of Uncertain Significance. Advanced modeling of protein sequence and biophysical properties (such as structural, functional, and spatial information, amino acid conservation, physicochemical variation, residue mobility, and thermodynamic stability) performed at Invitae indicates that this missense variant is not expected to disrupt BRCA2 protein function. ClinVar contains an entry for this variant (Variation ID: 631356). This variant has not been reported in the literature in individuals affected with BRCA2-related conditions. This variant is not present in population databases (gnomAD no frequency). This sequence change replaces lysine, which is basic and polar, with glutamic acid, which is acidic and polar, at codon 3161 of the BRCA2 protein (p.Lys3161Glu).

Color Diagnostics, LLC DBA Color Health
Classification: Uncertain significance for Hereditary cancer-predisposing syndrome. Last evaluated: 2019-04-19. Review status: criteria provided, single submitter. Criteria: ACMG Guidelines, 2015. Collection method: clinical testing. Allele origin: germline.